The following is an entry in ClinVar:

ClinVar aggregate classification (germline): Conflicting classifications of pathogenicity. Review status: criteria provided, conflicting classifications (1 of 4 stars). 2 submissions from 2 submitters: Uncertain significance (1); Likely benign (1). Last evaluated 2025-06-12.

Conditions:
Hereditary spastic paraplegia 30. Identifiers: Orphanet 101010, MedGen C5235139, MONDO:0012476.
Neuropathy, hereditary sensory, type 2C. Also called: Hereditary sensory and autonomic neuropathy type IIC; KIF1A-Related HSAN2 (HSAN2C). Identifiers: Orphanet 970, MedGen C3280168, MONDO:0013634, OMIM 614213.
Intellectual disability, autosomal dominant 9 (NESCAVS). Also called: KIF1A-Related Neurodevelopmental Disorder; NESCAV SYNDROME. Identifiers: Orphanet 662367, MedGen C5393830, MONDO:0013656, OMIM 614255.

Allele frequency attached by ClinVar (database versions not stated): gnomAD exomes below 0.00001; TOPMed below 0.00001.
gnomAD v4.1: 1 of 1,613,670 alleles (0.000062%); highest among the groups gnomAD compares: Non-Finnish European, 0.000085%; no homozygotes.

Submissions (2):

Labcorp Genetics (formerly Invitae), Labcorp
Classification: Likely benign for Hereditary spastic paraplegia 30; Neuropathy, hereditary sensory, type 2C; Intellectual disability, autosomal dominant 9. Last evaluated: 2025-06-12. Review status: criteria provided, single submitter. Criteria: Invitae Variant Classification Sherloc (09022015). Collection method: clinical testing. Allele origin: germline.

GeneDx
Classification: Uncertain significance. Last evaluated: 2017-03-20. Review status: criteria provided, single submitter. Criteria: GeneDx Variant Classification (06012015). Collection method: clinical testing. Allele origin: germline. Affected: yes.
Comment: The c.1038-6 A>G variant has not been published as a pathogenic variant, nor has it been reported as a benign variant to our knowledge. The c.1038-6 A>G variant is not observed in large population cohorts (Lek et al., 2016; 1000 Genomes Consortium et al., 2015; Exome Variant Server). Several in-silico splice prediction models predict that c.1038-6 A>G may weaken the natural splice acceptor site of intron 11 and lead to abnormal gene splicing. However, in the absence of RNA/functional studies, the actual effect of this sequence change in this individual is unknown. Therefore, based on the currently available information, it is unclear whether this variant is a pathogenic variant or a rare benign variant.

NM_001244008.2(KIF1A):c.1038-6A>G

Gene: KIF1A (kinesin family member 1A; minus strand). Cytogenetic location: 2q37.3.
Variant type: single nucleotide variant.
Coding change: c.1038-6A>G on transcript NM_001244008.2 (MANE Select); 6 bases into the intron before coding-DNA position 1038, A replaced by G.
Molecular consequence: intron variant.
Genome position (GRCh38, 1-based): chr2:240,773,262, T>C on the plus strand (A>G on the coding strand, the complement: KIF1A is on the minus strand). VCF-style: chr2-240773262-T-C. GRCh37 (hg19) VCF-style: chr2-241712679-T-C.
Other names: c.1038-6A>G (NM_001379653.1, NM_001379650.1, NM_001379645.1 and 20 more transcripts).
Identifiers: ClinVar variation 424306 (VCV000424306.10), dbSNP rs1064796903, ClinGen allele CA16617508.